The following is an entry in ClinVar:

NM_001041.4(SI):c.2005-3C>T

Gene: SI (sucrase-isomaltase; minus strand). Cytogenetic location: 3q26.1.
Variant type: single nucleotide variant.
Coding change: c.2005-3C>T on transcript NM_001041.4 (MANE Select); 3 bases into the intron before coding-DNA position 2005, C replaced by T.
Molecular consequence: intron variant.
Genome position (GRCh38, 1-based): chr3:165,041,097, G>A on the plus strand (C>T on the coding strand, the complement: SI is on the minus strand). VCF-style: chr3-165041097-G-A. GRCh37 (hg19) VCF-style: chr3-164758885-G-A.
Identifiers: ClinVar variation 1436364 (VCV001436364.4), dbSNP rs774245762, ClinGen allele CA2690861.

ClinVar aggregate classification (germline): Uncertain significance (1 of 4 stars; one submission).

Allele frequency attached by ClinVar (database versions not stated): TOPMed 0.00001; gnomAD 0.00002 and 0.00003; gnomAD exomes 0.00004 and 0.00006; ExAC 0.00007.
gnomAD v4.1: 95 of 1,612,004 alleles (0.0059%); highest among the groups gnomAD compares: East Asian, 0.022%; no homozygotes.

Submission:

Labcorp Genetics (formerly Invitae), Labcorp
Classification: Uncertain significance. Last evaluated: 2025-12-23. Review status: criteria provided, single submitter. Criteria: Invitae Variant Classification Sherloc (09022015). Collection method: clinical testing. Allele origin: germline.
Comment: This sequence change falls in intron 17 of the SI gene. It does not directly change the encoded amino acid sequence of the SI protein. It affects a nucleotide within the consensus splice site. This variant is present in population databases (rs774245762, gnomAD 0.04%). This variant has not been reported in the literature in individuals affected with SI-related conditions. ClinVar contains an entry for this variant (Variation ID: 1436364). Variants that disrupt the consensus splice site are a relatively common cause of aberrant splicing (PMID: 17576681, 9536098). Algorithms developed to predict the effect of sequence changes on RNA splicing suggest that this variant is not likely to affect RNA splicing. In summary, the available evidence is currently insufficient to determine the role of this variant in disease. Therefore, it has been classified as a Variant of Uncertain Significance.

Literature cited by the submitters: PubMed 17576681; PubMed 9536098.